The following is an entry in ClinVar:

NM_173598.6(KSR2):c.554C>T (p.Pro185Leu)

Gene: KSR2 (kinase suppressor of ras 2; minus strand). Cytogenetic location: 12q24.23.
Variant type: single nucleotide variant.
Coding change: c.554C>T on transcript NM_173598.6 (MANE Select); coding-DNA position 554, C replaced by T.
Protein change: p.Pro185Leu; replaces proline 185 with leucine.
Molecular consequence: missense variant.
Genome position (GRCh38, 1-based): chr12:117,761,443, G>A on the plus strand (C>T on the coding strand, the complement: KSR2 is on the minus strand). VCF-style: chr12-117761443-G-A. GRCh37 (hg19) VCF-style: chr12-118199248-G-A.
Other names: short protein forms P185L.
Identifiers: ClinVar variation 2635853 (VCV002635853.2), dbSNP rs762240593, ClinGen allele CA6816308.

ClinVar aggregate classification (germline): Uncertain significance (1 of 4 stars; one submission).

Conditions:
KSR2-related disorder. Also called: KSR2-related condition.

Allele frequency attached by ClinVar (database versions not stated): gnomAD 0.00002; TOPMed 0.00003; ExAC 0.00010.
gnomAD v4.1: 51 of 1,612,244 alleles (0.0032%); highest among the groups gnomAD compares: South Asian, 0.035%; no homozygotes.

Submission:

PreventionGenetics, part of Exact Sciences
Classification: Uncertain significance for KSR2-related condition. Last evaluated: 2026-08-18. Review status: criteria provided, single submitter. Criteria: ACMG Guidelines, 2015. Collection method: clinical testing. Allele origin: germline.
Comment: The KSR2 c.467C>T variant is predicted to result in the amino acid substitution p.Pro156Leu. To our knowledge, this variant has not been reported in the literature. This variant is reported in 0.046% of alleles in individuals of South Asian descent in gnomAD. At this time, the clinical significance of this variant is uncertain due to the absence of conclusive functional and genetic evidence.